The following is an entry in ClinVar:

ClinVar aggregate classification (germline): Uncertain significance (1 of 4 stars; one submission).

Conditions:
Gorlin syndrome. Also called: Nevoid Basal Cell Carcinoma Syndrome; Basal cell nevus syndrome. Identifiers: Orphanet 377, MedGen C0004779, MONDO:0007187.

Submission:

Labcorp Genetics (formerly Invitae), Labcorp
Classification: Uncertain significance for Gorlin syndrome. Last evaluated: 2026-01-21. Review status: criteria provided, single submitter. Criteria: Invitae Variant Classification Sherloc (09022015). Collection method: clinical testing. Allele origin: germline.
Comment: This sequence change falls in intron 9 of the PTCH1 gene. It does not directly change the encoded amino acid sequence of the PTCH1 protein. It affects a nucleotide within the consensus splice site. This variant is not present in population databases (gnomAD no frequency). This variant has not been reported in the literature in individuals affected with PTCH1-related conditions. Variants that disrupt the consensus splice site are a relatively common cause of aberrant splicing (PMID: 17576681, 9536098). Algorithms developed to predict the effect of sequence changes on RNA splicing suggest that this variant may disrupt the consensus splice site. In summary, the available evidence is currently insufficient to determine the role of this variant in disease. Therefore, it has been classified as a Variant of Uncertain Significance.

Literature cited by the submitters: PubMed 17576681; PubMed 9536098.

NM_000264.5(PTCH1):c.1347+3_1347+5del

Gene: PTCH1 (patched 1; minus strand). Cytogenetic location: 9q22.32.
Variant type: Deletion.
Coding change: c.1347+3_1347+5del on transcript NM_000264.5 (MANE Select); bases 3 to 5 of the intron after coding-DNA position 1347, 3 bases deleted (AAC; older notation c.1347+3_1347+5delAAC).
Molecular consequence: intron variant.
Genome position (GRCh38, 1-based): chr9:95,478,050-95,478,052, GTT deleted on the plus strand (AAC on the coding strand, the reverse complement: PTCH1 is on the minus strand). VCF-style (leftmost placement, unchanged base first): chr9-95478049-CGTT-C. GRCh37 (hg19) VCF-style: chr9-98240331-CGTT-C.
Other names: c.1344+3_1344+5del (NM_001083603.3); c.1149+3_1149+5del (NM_001083602.3); c.1347+3_1347+5del (NM_001354918.2); c.894+3_894+5del (NM_001083605.3, NM_001083604.3, NM_001083606.3 and 1 more transcripts).
Identifiers: ClinVar variation 4735890 (VCV004735890.1).